The following is an entry in ClinVar:

ClinVar aggregate classification (germline): Uncertain significance (1 of 4 stars; one submission).

Submission:

Labcorp Genetics (formerly Invitae), Labcorp
Classification: Uncertain significance. Last evaluated: 2024-06-22. Review status: criteria provided, single submitter. Criteria: Invitae Variant Classification Sherloc (09022015). Collection method: clinical testing. Allele origin: germline.
Comment: This sequence change replaces proline, which is neutral and non-polar, with serine, which is neutral and polar, at codon 670 of the KMT2B protein (p.Pro670Ser). This variant is not present in population databases (gnomAD no frequency). This variant has not been reported in the literature in individuals affected with KMT2B-related conditions. Advanced modeling of protein sequence and biophysical properties (such as structural, functional, and spatial information, amino acid conservation, physicochemical variation, residue mobility, and thermodynamic stability) performed at Invitae indicates that this missense variant is not expected to disrupt KMT2B protein function with a negative predictive value of 95%. In summary, the available evidence is currently insufficient to determine the role of this variant in disease. Therefore, it has been classified as a Variant of Uncertain Significance.

NM_014727.3(KMT2B):c.2008C>T (p.Pro670Ser)

Gene: KMT2B (lysine methyltransferase 2B; plus strand). Cytogenetic location: 19q13.12.
Variant type: single nucleotide variant.
Coding change: c.2008C>T on transcript NM_014727.3 (MANE Select); coding-DNA position 2008, C replaced by T.
Protein change: p.Pro670Ser; replaces proline 670 with serine.
Molecular consequence: missense variant.
Genome position (GRCh38, 1-based): chr19:35,721,355, C>T. VCF-style: chr19-35721355-C-T. GRCh37 (hg19) VCF-style: chr19-36212257-C-T.
Other names: short protein forms P670S.
Identifiers: ClinVar variation 3657367 (VCV003657367.2).